The following is an entry in ClinVar:

NM_014339.7(IL17RA):c.2274G>C (p.Gln758His)

Gene: IL17RA (interleukin 17 receptor A; plus strand). Cytogenetic location: 22q11.1.
Variant type: single nucleotide variant.
Coding change: c.2274G>C on transcript NM_014339.7 (MANE Select); coding-DNA position 2274, G replaced by C.
Protein change: p.Gln758His; replaces glutamine 758 with histidine.
Molecular consequence: missense variant.
Genome position (GRCh38, 1-based): chr22:17,109,493, G>C. VCF-style: chr22-17109493-G-C. GRCh37 (hg19) VCF-style: chr22-17590383-G-C.
Other names: c.2172G>C, p.Gln724His (NM_001289905.2); short protein forms Q724H, Q758H.
Identifiers: ClinVar variation 947369 (VCV000947369.1), dbSNP rs1260284396, ClinGen allele CA410221599.
Genomic context (GRCh38, chr22:17,109,493, plus strand): 5'-CCTCCTTCCAGAGGACGTGAGGGAGCACCTCGAAGGCTTGATGCTCTCGCTCTTCGAGCA[G>C]AGTCTGAGCTGCCAGGCCCAGGGGGGCTGCAGTAGACCCGCCATGGTCCTCACAGACCCA-3'
Protein context (NP_055154.3, residues 748-768): LEGLMLSLFE[Gln758His]SLSCQAQGGC

ClinVar aggregate classification (germline): Uncertain significance (1 of 4 stars; one submission).

Conditions:
Immunodeficiency 51 (IMD51). Also called: CANDIDIASIS, FAMILIAL, 5. Identifiers: Orphanet 1334, MedGen C4310803, MONDO:0013500, OMIM 613953.

Submission:

Labcorp Genetics (formerly Invitae), Labcorp
Classification: Uncertain significance for Immunodeficiency 51. Last evaluated: 2019-04-30. Review status: criteria provided, single submitter. Criteria: Invitae Variant Classification Sherloc (09022015). Collection method: clinical testing. Allele origin: germline.
Comment: This sequence change replaces glutamine with histidine at codon 758 of the IL17RA protein (p.Gln758His). The glutamine residue is moderately conserved and there is a small physicochemical difference between glutamine and histidine. This variant is not present in population databases (ExAC no frequency). This variant has not been reported in the literature in individuals with IL17RA-related conditions. Algorithms developed to predict the effect of missense changes on protein structure and function output the following: SIFT: "Tolerated"; PolyPhen-2: "Benign"; Align-GVGD: "Class C0". The histidine amino acid residue is found in multiple mammalian species, suggesting that this missense change does not adversely affect protein function. These predictions have not been confirmed by published functional studies and their clinical significance is uncertain. In summary, the available evidence is currently insufficient to determine the role of this variant in disease. Therefore, it has been classified as a Variant of Uncertain Significance.